The following is an entry in ClinVar:

NM_007118.4(TRIO):c.5486C>G (p.Thr1829Arg)

Gene: TRIO (trio Rho guanine nucleotide exchange factor; plus strand). Cytogenetic location: 5p15.2.
Variant type: single nucleotide variant.
Coding change: c.5486C>G on transcript NM_007118.4 (MANE Select); coding-DNA position 5486, C replaced by G.
Protein change: p.Thr1829Arg; replaces threonine 1829 with arginine.
Molecular consequence: missense variant. On other transcripts: non-coding transcript variant (1).
Genome position (GRCh38, 1-based): chr5:14,461,301, C>G. VCF-style: chr5-14461301-C-G. GRCh37 (hg19) VCF-style: chr5-14461410-C-G.
Other names: short protein forms T1829R.
Identifiers: ClinVar variation 1031140 (VCV001031140.1), dbSNP rs760274582, ClinGen allele CA359229225.

ClinVar aggregate classification (germline): Uncertain significance (1 of 4 stars; one submission).

Conditions:
Intellectual developmental disorder, autosomal dominant 44, with microcephaly. Also called: Micrognathia-recurrent infections-behavioral abnormalities-mild intellectual disability syndrome; TRIO-Related Intellectual Disability. Identifiers: Orphanet 476126, MedGen C4310740, MONDO:0014892, OMIM 617061.

Submission:

Baylor Genetics
Classification: Uncertain significance for Intellectual developmental disorder, autosomal dominant 44, with microcephaly. Last evaluated: 2020-06-03. Review status: criteria provided, single submitter. Criteria: ACMG Guidelines, 2015. Collection method: clinical testing. Allele origin: unknown. Affected: yes.
Comment: This variant was determined to be of uncertain significance according to ACMG Guidelines, 2015 [PMID:25741868].